The following is an entry in ClinVar:

ClinVar aggregate classification (germline): Uncertain significance (1 of 4 stars; one submission).

Submission:

Dasa
Classification: Uncertain significance. Last evaluated: 2025-08-22. Review status: criteria provided, single submitter. Criteria: DASA Assertion Criteria. Collection method: clinical testing. Allele origin: germline.
Comment: NM_001317946.2(SMARCB1):c.508G>A (p.Asp170Asn) is a missense variant that results in the substitution of aspartic acid with asparagine. This variant is rare in population databases. Computational prediction algorithms are consistent with a benign effect. The currently available literature and clinical evidence are not sufficient to establish a definitive association between this variant and the reported condition. Therefore, this variant is classified as a variant of uncertain significance.

NM_003073.5(SMARCB1):c.500+35G>A

Gene: SMARCB1 (SWI/SNF related BAF chromatin remodeling complex subunit B1; plus strand). Cytogenetic location: 22q11.23.
Variant type: single nucleotide variant.
Coding change: c.500+35G>A on transcript NM_003073.5 (MANE Select); 35 bases into the intron after coding-DNA position 500, G replaced by A.
Molecular consequence: intron variant. On other transcripts: missense variant (2).
Genome position (GRCh38, 1-based): chr22:23,801,116, G>A. VCF-style: chr22-23801116-G-A. GRCh37 (hg19) VCF-style: chr22-24143303-G-A.
Other names: c.508G>A, p.Asp170Asn (NM_001317946.2); c.535G>A, p.Asp179Asn (NM_001362877.2); c.473+35G>A (NM_001007468.3); short protein forms D170N, D179N.
Identifiers: ClinVar variation 5020878 (VCV005020878.1).